The following is an entry in ClinVar:

ClinVar aggregate classification (germline): Uncertain significance. Review status: criteria provided, multiple submitters, no conflicts (2 of 4 stars). 3 submissions from 3 submitters: Uncertain significance (3). Last evaluated 2025-10-02.

Conditions:
Inborn genetic diseases. Identifiers: MedGen C0950123, MeSH D030342.

gnomAD v4.1: 30 of 1,550,908 alleles (0.0019%); highest among the groups gnomAD compares: Non-Finnish European, 0.0026%; no homozygotes.

Submissions (3):

Ambry Genetics
Classification: Uncertain significance for Inborn genetic diseases. Last evaluated: 2025-10-02. Review status: criteria provided, single submitter. Criteria: Ambry Variant Classification Scheme 2023. Collection method: clinical testing. Allele origin: germline.

GeneDx
Classification: Uncertain significance. Last evaluated: 2025-06-09. Review status: criteria provided, single submitter. Criteria: GeneDx Variant Classification Process June 2021. Collection method: clinical testing. Allele origin: germline. Affected: yes.
Comment: Not observed at significant frequency in large population cohorts (gnomAD); In silico analysis suggests that this missense variant does not alter protein structure/function; Has not been previously published as pathogenic or benign to our knowledge

Blueprint Genetics
Classification: Uncertain significance. Last evaluated: 2024-11-21. Review status: criteria provided, single submitter. Criteria: ACMG Guidelines, 2015. Collection method: clinical testing. Allele origin: germline.

NM_001378609.3(OTOGL):c.3040C>G (p.Leu1014Val)

Gene: OTOGL (otogelin like; plus strand). Cytogenetic location: 12q21.31.
Variant type: single nucleotide variant.
Coding change: c.3040C>G on transcript NM_001378609.3 (MANE Select); coding-DNA position 3040, C replaced by G.
Protein change: p.Leu1014Val; replaces leucine 1014 with valine.
Molecular consequence: missense variant. On other transcripts: intron variant (1).
Genome position (GRCh38, 1-based): chr12:80,296,938, C>G. VCF-style: chr12-80296938-C-G. GRCh37 (hg19) VCF-style: chr12-80690718-C-G.
Other names: c.3040C>G, p.Leu1014Val (NM_001378610.3, NM_173591.7); c.2929-5696C>G (NM_001368062.3); short protein forms L1014V.
Identifiers: ClinVar variation 4537847 (VCV004537847.3).